The following is an entry in ClinVar:

ClinVar aggregate classification (germline): Likely benign. Review status: criteria provided, multiple submitters, no conflicts (2 of 4 stars). 2 submissions from 2 submitters: Likely benign (2). Last evaluated 2025-12-24.

Conditions:
Combined immunodeficiency due to DOCK8 deficiency (HIES2). Also called: Hyper-IgE recurrent infection syndrome, autosomal recessive; HYPER-IgE RECURRENT INFECTION SYNDROME 2, AUTOSOMAL RECESSIVE; HIES autosomal recessive; DOCK8 Deficiency; HYPER-IgE SYNDROME 2, AUTOSOMAL RECESSIVE, WITH RECURRENT INFECTIONS. Identifiers: Orphanet 217390, MedGen C4722305, MONDO:0009478, OMIM 243700.

Allele frequency attached by ClinVar (database versions not stated): ExAC 0.00007; ESP Exome Variant Server 0.00008; gnomAD 0.00009; TOPMed 0.00009.
gnomAD v4.1: 192 of 1,613,756 alleles (0.012%); highest among the groups gnomAD compares: Non-Finnish European, 0.015%; no homozygotes.

Submissions (2):

Labcorp Genetics (formerly Invitae), Labcorp
Classification: Likely benign for Combined immunodeficiency due to DOCK8 deficiency. Last evaluated: 2025-12-24. Review status: criteria provided, single submitter. Criteria: Invitae Variant Classification Sherloc (09022015). Collection method: clinical testing. Allele origin: germline.

GeneDx
Classification: Likely benign. Last evaluated: 2016-07-13. Review status: criteria provided, single submitter. Criteria: GeneDx Variant Classification (06012015). Collection method: clinical testing. Allele origin: germline. Affected: yes.
Comment: This variant is considered likely benign or benign based on one or more of the following criteria: it is a conservative change, it occurs at a poorly conserved position in the protein, it is predicted to be benign by multiple in silico algorithms, and/or has population frequency not consistent with disease.

NM_203447.4(DOCK8):c.2634G>A (p.Arg878=)

Gene: DOCK8 (dedicator of cytokinesis 8; plus strand). Cytogenetic location: 9p24.3.
Variant type: single nucleotide variant.
Coding change: c.2634G>A on transcript NM_203447.4 (MANE Select); coding-DNA position 2634, G replaced by A.
Protein change: p.Arg878=; no amino-acid change (arginine 878 retained).
Molecular consequence: synonymous variant.
Genome position (GRCh38, 1-based): chr9:382,541, G>A. VCF-style: chr9-382541-G-A. GRCh37 (hg19) VCF-style: chr9-382541-G-A.
Other names: c.2430G>A, p.Arg810= (NM_001190458.2, NM_001193536.2).
Identifiers: ClinVar variation 387626 (VCV000387626.12), dbSNP rs370632366, ClinGen allele CA4958272.